The following is an entry in ClinVar:

NM_001258392.3(CLPB):c.1236G>A (p.Lys412=)

Genes: CLPB (ClpB family mitochondrial disaggregase; minus strand), LOC126861258 (MED14-independent group 3 enhancer GRCh37_chr11:72012242-72013441; plus strand). Cytogenetic location: 11q13.4.
Variant type: single nucleotide variant.
Coding change: c.1236G>A on transcript NM_001258392.3 (MANE Select); coding-DNA position 1236, G replaced by A.
Protein change: p.Lys412=; no amino-acid change (lysine 412 retained).
Molecular consequence: synonymous variant.
Genome position (GRCh38, 1-based): chr11:72,301,896, C>T on the plus strand (G>A on the coding strand, the complement: CLPB is on the minus strand). VCF-style: chr11-72301896-C-T. GRCh37 (hg19) VCF-style: chr11-72012940-C-T.
Other names: c.1149G>A, p.Lys383= (NM_001258393.3); c.1191G>A, p.Lys397= (NM_001258394.3); c.1326G>A, p.Lys442= (NM_030813.6).
Identifiers: ClinVar variation 509454 (VCV000509454.11), dbSNP rs538912422, ClinGen allele CA224388954.

ClinVar aggregate classification (germline): Likely benign. Review status: criteria provided, multiple submitters, no conflicts (2 of 4 stars). 2 submissions from 2 submitters: Likely benign (2). Last evaluated 2025-06-12.

Conditions:
3-methylglutaconic aciduria, type VIIB (MGCA7B). Also called: 3-methylglutaconic aciduria, type VII, with cataracts, neurologic involvement and neutropenia; CLPB Deficiency; 3-methylglutaconic aciduria with cataracts, neurologic involvement and neutropenia. Identifiers: Orphanet 445038, MedGen C5676893, MONDO:0014561, OMIM 616271.

Allele frequency attached by ClinVar (database versions not stated): gnomAD exomes 0.00001; gnomAD 0.00004 and 0.00013; TOPMed 0.00005.
gnomAD v4.1: 32 of 1,614,244 alleles (0.002%); highest among the groups gnomAD compares: African/African-American, 0.041%; 1 homozygote.

Submissions (2):

Labcorp Genetics (formerly Invitae), Labcorp
Classification: Likely benign for 3-methylglutaconic aciduria, type VIIB. Last evaluated: 2025-06-12. Review status: criteria provided, single submitter. Criteria: Invitae Variant Classification Sherloc (09022015). Collection method: clinical testing. Allele origin: germline.

GeneDx
Classification: Likely benign. Last evaluated: 2017-05-22. Review status: criteria provided, single submitter. Criteria: GeneDx Variant Classification (06012015). Collection method: clinical testing. Allele origin: germline. Affected: yes.
Comment: This variant is considered likely benign or benign based on one or more of the following criteria: it is a conservative change, it occurs at a poorly conserved position in the protein, it is predicted to be benign by multiple in silico algorithms, and/or has population frequency not consistent with disease.